The following is an entry in ClinVar:

NM_000465.4(BARD1):c.2020G>T (p.Gly674Ter)

Gene: BARD1 (BRCA1 associated RING domain 1; minus strand). Cytogenetic location: 2q35.
Variant type: single nucleotide variant.
Coding change: c.2020G>T on transcript NM_000465.4 (MANE Select); coding-DNA position 2020, G replaced by T.
Protein change: p.Gly674Ter; replaces glycine 674 with a stop codon.
Molecular consequence: nonsense. On other transcripts: non-coding transcript variant (3).
Genome position (GRCh38, 1-based): chr2:214,728,990, C>A on the plus strand (G>T on the coding strand, the complement: BARD1 is on the minus strand). VCF-style: chr2-214728990-C-A. GRCh37 (hg19) VCF-style: chr2-215593714-C-A.
Other names: c.1963G>T, p.Gly655Ter (NM_001282543.2); c.667G>T, p.Gly223Ter (NM_001282545.2); c.610G>T, p.Gly204Ter (NM_001282548.2); c.481G>T, p.Gly161Ter (NM_001282549.2); short protein forms G204*, G655*, G674*, G161*, G223*.
Identifiers: ClinVar variation 851933 (VCV000851933.32), dbSNP rs1328046615, ClinGen allele CA350450791.

ClinVar aggregate classification (germline): Pathogenic/Likely pathogenic. Review status: criteria provided, multiple submitters, no conflicts (2 of 4 stars). 6 submissions from 6 submitters: Pathogenic (1); Likely pathogenic (5). Last evaluated 2026-01-07.

Conditions:
Familial cancer of breast. Also called: BREAST CANCER, FAMILIAL; Hereditary breast cancer; hereditary breast carcinoma. Identifiers: Orphanet 227535, MedGen C0346153, MONDO:0016419, OMIM 114480. Disease mechanism: loss of function.
Hereditary cancer-predisposing syndrome. Also called: Hereditary Cancer Syndrome; Neoplastic Syndromes, Hereditary; Tumor predisposition; Hereditary neoplastic syndrome. Identifiers: Orphanet 140162, MedGen C0027672, MeSH D009386, MONDO:0015356.

gnomAD v4.1: 1 of 1,614,110 alleles (0.000062%); highest among the groups gnomAD compares: Non-Finnish European, 0.000085%; no homozygotes.

Submissions (6):

Labcorp Genetics (formerly Invitae), Labcorp
Classification: Likely pathogenic for Familial cancer of breast. Last evaluated: 2026-01-07. Review status: criteria provided, single submitter. Criteria: Invitae Variant Classification Sherloc (09022015). Collection method: clinical testing. Allele origin: germline.
Comment: This sequence change creates a premature translational stop signal (p.Gly674*) in the BARD1 gene. While this is not anticipated to result in nonsense mediated decay, it is expected to disrupt the last 104 amino acid(s) of the BARD1 protein. This variant is not present in population databases (gnomAD no frequency). This variant has not been reported in the literature in individuals affected with BARD1-related conditions. ClinVar contains an entry for this variant (Variation ID: 851933). This variant disrupts the C-terminal BRCT domain of BARD1 protein, which is required for chromosome stability and homology-directed repair (PMID: 17848578). A different variant (p.Val767fs) that lies downstream of this variant has been reported to affect BARD1 protein function (PMID: 30925164), this suggests that disruption of this region of the protein is causative of disease. In summary, the currently available evidence indicates that the variant is pathogenic, but additional data are needed to prove that conclusively. Therefore, this variant has been classified as Likely Pathogenic.

Color Diagnostics, LLC DBA Color Health
Classification: Likely pathogenic for Hereditary cancer-predisposing syndrome. Last evaluated: 2024-12-23. Review status: criteria provided, single submitter. Criteria: ACMG Guidelines, 2015. Collection method: clinical testing. Allele origin: germline.
Comment: This variant changes 1 nucleotide in exon 11 of the BARD1 gene, creating a premature translation stop signal at codon 674. The mutant transcript is expected to escape nonsense-mediated decay and be expressed as truncated protein lacking the functional BRCT2 domain (a.a. 667-777) that is critical for BARD1 protein function (PMID: 17848578, 30925164). To our knowledge, this variant has not been reported in individuals affected with BARD1-related disorders in the literature. This variant has not been identified in the general population by the Genome Aggregation Database (gnomAD). Loss of BARD1 function is a known mechanism of disease. Based on the available evidence, this variant is classified as Likely Pathogenic.

CeGaT Center for Human Genetics Tuebingen
Classification: Likely pathogenic. Last evaluated: 2024-10-01. Review status: criteria provided, single submitter. Criteria: CeGaT Center For Human Genetics Tuebingen Variant Classification Criteria Version 2. Collection method: clinical testing. Allele origin: germline. Affected: yes. Observed: 1 variant allele.
Comment: BARD1: PVS1:Strong, PM2

Ambry Genetics
Classification: Likely pathogenic for Hereditary cancer-predisposing syndrome. Last evaluated: 2024-06-17. Review status: criteria provided, single submitter. Criteria: Ambry Variant Classification Scheme 2023. Collection method: clinical testing. Allele origin: germline.
Comment: The p.G674* variant (also known as c.2020G>T), located in coding exon 11 of the BARD1 gene, results from a G to T substitution at nucleotide position 2020. This changes the amino acid from a glycine to a stop codon within coding exon 11. This alteration occurs at the 3' terminus of theBARD1 gene, is not expected to trigger nonsense-mediated mRNA decay, and only impacts the last 13% of the protein. However, premature stop codons are typically deleterious in nature and the impacted region is critical for protein function (Laufer M et al. J Biol Chem, 2007 Nov;282:34325-33; Adamovich AI et al. PLoS Genet, 2019 03;15:e1008049; Ambry internal data). This variant is considered to be rare based on population cohorts in the Genome Aggregation Database (gnomAD). Based on the majority of available evidence to date, this variant is likely to be pathogenic.

Myriad Genetics, Inc.
Classification: Pathogenic for Familial cancer of breast. Last evaluated: 2023-05-25. Review status: criteria provided, single submitter. Criteria: Myriad Autosomal Dominant, Autosomal Recessive and X-Linked Classification Criteria (2023). Collection method: clinical testing. Allele origin: unknown.
Comment: This variant is considered pathogenic. This variant creates a termination codon and is predicted to result in premature protein truncation.

Baylor Genetics
Classification: Likely pathogenic for Familial cancer of breast. Last evaluated: 2022-06-17. Review status: criteria provided, single submitter. Criteria: ACMG Guidelines, 2015. Collection method: clinical testing. Allele origin: unknown.

Literature cited by the submitters: PubMed 17848578 (cited by 3 submitters); PubMed 30925164 (cited by 3 submitters).